The following is an entry in ClinVar:

NM_000136.3(FANCC):c.226T>C (p.Trp76Arg)

Gene: FANCC (FA complementation group C; minus strand). Cytogenetic location: 9q22.32.
Variant type: single nucleotide variant.
Coding change: c.226T>C on transcript NM_000136.3 (MANE Select); coding-DNA position 226, T replaced by C.
Protein change: p.Trp76Arg; replaces tryptophan 76 with arginine.
Molecular consequence: missense variant.
Genome position (GRCh38, 1-based): chr9:95,247,456, A>G on the plus strand (T>C on the coding strand, the complement: FANCC is on the minus strand). VCF-style: chr9-95247456-A-G. GRCh37 (hg19) VCF-style: chr9-98009738-A-G.
Other names: c.226T>C, p.Trp76Arg (NM_001243743.2, NM_001243744.2); short protein forms W76R.
Identifiers: ClinVar variation 3512794 (VCV003512794.1).

ClinVar aggregate classification (germline): Uncertain significance (1 of 4 stars; one submission).

Conditions:
Hereditary cancer-predisposing syndrome. Also called: Tumor predisposition; Neoplastic Syndromes, Hereditary; Hereditary Cancer Syndrome; Hereditary neoplastic syndrome. Identifiers: Orphanet 140162, MedGen C0027672, MeSH D009386, MONDO:0015356.

Submission:

Ambry Genetics
Classification: Uncertain significance for Hereditary cancer-predisposing syndrome. Last evaluated: 2024-10-12. Review status: criteria provided, single submitter. Criteria: Ambry Variant Classification Scheme 2023. Collection method: clinical testing. Allele origin: germline.
Comment: The p.W76R variant (also known as c.226T>C), located in coding exon 2 of the FANCC gene, results from a T to C substitution at nucleotide position 226. The tryptophan at codon 76 is replaced by arginine, an amino acid with dissimilar properties. This amino acid position is conserved. In addition, this alteration is predicted to be tolerated by in silico analysis. Based on the available evidence, the clinical significance of this variant remains unclear.